The following is an entry in ClinVar:

NM_004958.4(MTOR):c.17C>G (p.Pro6Arg)

Gene: MTOR (mechanistic target of rapamycin kinase; minus strand). Cytogenetic location: 1p36.22.
Variant type: single nucleotide variant.
Coding change: c.17C>G on transcript NM_004958.4 (MANE Select); coding-DNA position 17, C replaced by G.
Protein change: p.Pro6Arg; replaces proline 6 with arginine.
Molecular consequence: missense variant. On other transcripts: 5 prime UTR variant (1).
Genome position (GRCh38, 1-based): chr1:11,259,393, G>C on the plus strand (C>G on the coding strand, the complement: MTOR is on the minus strand). VCF-style: chr1-11259393-G-C. GRCh37 (hg19) VCF-style: chr1-11319450-G-C.
Other names: c.17C>G, p.Pro6Arg (NM_001386500.1); c.-1123C>G (NM_001386501.1); short protein forms P6R.
Identifiers: ClinVar variation 2787581 (VCV002787581.3), dbSNP rs2100986687, ClinGen allele CA338405516.
Genomic context (GRCh38, chr1:11,259,393, plus strand): 5'-GCAAACTGCTGCAGGACGCTCACATTGCTAGATGTGGTGGCAGCGGTGGTGGCGGCGGCA[G>C]GTCCGGTTCCAAGCATCTTGCCCTGAGGTTCTTTAGAGAGAAGTTTCCTTTAATATTCTG-3'
Protein context (NP_004949.1, residues 1-16): MLGTG[Pro6Arg]AAATTAATTS

ClinVar aggregate classification (germline): Uncertain significance (1 of 4 stars; one submission).

Submission:

Labcorp Genetics (formerly Invitae), Labcorp
Classification: Uncertain significance. Last evaluated: 2023-05-16. Review status: criteria provided, single submitter. Criteria: Invitae Variant Classification Sherloc (09022015). Collection method: clinical testing. Allele origin: germline.
Comment: In summary, the available evidence is currently insufficient to determine the role of this variant in disease. Therefore, it has been classified as a Variant of Uncertain Significance. Advanced modeling of protein sequence and biophysical properties (such as structural, functional, and spatial information, amino acid conservation, physicochemical variation, residue mobility, and thermodynamic stability) performed at Invitae indicates that this missense variant is not expected to disrupt MTOR protein function. This variant has not been reported in the literature in individuals affected with MTOR-related conditions. This variant is not present in population databases (gnomAD no frequency). This sequence change replaces proline, which is neutral and non-polar, with arginine, which is basic and polar, at codon 6 of the MTOR protein (p.Pro6Arg).